The following is an entry in ClinVar:

ClinVar aggregate classification (germline): Uncertain significance (1 of 4 stars; one submission).

gnomAD v4.1: 10 of 1,614,192 alleles (0.00062%); highest among the groups gnomAD compares: South Asian, 0.0011%; no homozygotes.

Submission:

GeneDx
Classification: Uncertain significance. Last evaluated: 2023-12-20. Review status: criteria provided, single submitter. Criteria: GeneDx Variant Classification Process June 2021. Collection method: clinical testing. Allele origin: germline. Affected: yes.
Comment: Not observed at significant frequency in large population cohorts (gnomAD); In silico analysis supports that this missense variant does not alter protein structure/function; Has not been previously published as pathogenic or benign to our knowledge

NM_000141.5(FGFR2):c.158C>T (p.Ala53Val)

Gene: FGFR2 (fibroblast growth factor receptor 2; minus strand). Cytogenetic location: 10q26.13.
Variant type: single nucleotide variant.
Coding change: c.158C>T on transcript NM_000141.5 (MANE Select); coding-DNA position 158, C replaced by T.
Protein change: p.Ala53Val; replaces alanine 53 with valine.
Molecular consequence: missense variant. On other transcripts: intron variant (9).
Genome position (GRCh38, 1-based): chr10:121,565,656, G>A on the plus strand (C>T on the coding strand, the complement: FGFR2 is on the minus strand). VCF-style: chr10-121565656-G-A. GRCh37 (hg19) VCF-style: chr10-123325170-G-A.
Other names: c.158C>T, p.Ala53Val (NM_001144913.1, NM_001144914.1, NM_001144917.2 and 3 more transcripts); c.110-14197C>T (NM_001144918.2, NM_001441091.1, NM_001441090.1 and 1 more transcripts); c.110-1077C>T (NM_001441089.1, NM_023029.3, NM_001441088.1 and 2 more transcripts); short protein forms A53V.
Identifiers: ClinVar variation 3342652 (VCV003342652.1).